The following is an entry in ClinVar:

ClinVar aggregate classification (germline): Likely benign. Review status: criteria provided, multiple submitters, no conflicts (2 of 4 stars). 4 submissions from 4 submitters: Likely benign (4). Last evaluated 2026-09-21.

Conditions:
Cardiovascular phenotype. Identifiers: MedGen CN230736.

Allele frequency attached by ClinVar (database versions not stated): gnomAD exomes below 0.00001; gnomAD 0.00001.
gnomAD v4.1: 4 of 1,613,988 alleles (0.00025%); highest among the groups gnomAD compares: Middle Eastern, 0.049%; no homozygotes.

Submissions (4):

Molecular Diagnostic Laboratory for Inherited Cardiovascular Disease, Montreal Heart Institute
Classification: Likely benign. Last evaluated: 2026-09-21. Review status: criteria provided, single submitter. Criteria: ACMG Guidelines, 2015. Collection method: clinical testing. Allele origin: germline. Affected: no.
Comment: BP7

Ambry Genetics
Classification: Likely benign for Cardiovascular phenotype. Last evaluated: 2026-05-14. Review status: criteria provided, single submitter. Criteria: Ambry Variant Classification Scheme 2023. Collection method: clinical testing. Allele origin: germline.

Labcorp Genetics (formerly Invitae), Labcorp
Classification: Likely benign. Last evaluated: 2026-02-01. Review status: criteria provided, single submitter. Criteria: Invitae Variant Classification Sherloc (09022015). Collection method: clinical testing. Allele origin: germline.

GeneDx
Classification: Likely benign. Last evaluated: 2017-02-24. Review status: criteria provided, single submitter. Criteria: GeneDx Variant Classification (06012015). Collection method: clinical testing. Allele origin: germline. Affected: yes.
Comment: This variant is considered likely benign or benign based on one or more of the following criteria: it is a conservative change, it occurs at a poorly conserved position in the protein, it is predicted to be benign by multiple in silico algorithms, and/or has population frequency not consistent with disease.

NM_020778.5(ALPK3):c.4173T>A (p.Gly1391=)

Gene: ALPK3 (alpha kinase 3; plus strand). Cytogenetic location: 15q25.3.
Variant type: single nucleotide variant.
Coding change: c.4173T>A on transcript NM_020778.5 (MANE Select); coding-DNA position 4173, T replaced by A.
Protein change: p.Gly1391=; no amino-acid change (glycine 1391 retained).
Molecular consequence: synonymous variant.
Genome position (GRCh38, 1-based): chr15:84,862,678, T>A. VCF-style: chr15-84862678-T-A. GRCh37 (hg19) VCF-style: chr15-85405909-T-A.
Identifiers: ClinVar variation 507639 (VCV000507639.10), dbSNP rs946844546, ClinGen allele CA273631245.